The following is an entry in ClinVar:

NM_032977.4(CASP10):c.347+6G>A

Gene: CASP10 (caspase 10; plus strand). Cytogenetic location: 2q33.1.
Variant type: single nucleotide variant.
Coding change: c.347+6G>A on transcript NM_032977.4 (MANE Select); 6 bases into the intron after coding-DNA position 347, G replaced by A.
Molecular consequence: intron variant.
Genome position (GRCh38, 1-based): chr2:201,186,130, G>A. VCF-style: chr2-201186130-G-A. GRCh37 (hg19) VCF-style: chr2-202050853-G-A.
Other names: c.347+6G>A (NM_032974.5, NM_001206542.2, NM_032976.4 and 3 more transcripts).
Identifiers: ClinVar variation 2923490 (VCV002923490.3), dbSNP rs754607963, ClinGen allele CA2052823.

ClinVar aggregate classification (germline): Uncertain significance (1 of 4 stars; one submission).

Conditions:
Autoimmune lymphoproliferative syndrome type 2A (ALPS2A). Also called: AUTOIMMUNE LYMPHOPROLIFERATIVE SYNDROME, TYPE IIA; CASP10-Related Autoimmune Lymphoproliferative Syndrome; Autoimmune lymphoproliferative syndrome type 2. Identifiers: Orphanet 3261, MedGen C1858968, MONDO:0011383, OMIM 603909.

Allele frequency attached by ClinVar (database versions not stated): ExAC 0.00001; gnomAD 0.00002; TOPMed 0.00002; gnomAD exomes 0.00004.
gnomAD v4.1: 65 of 1,606,726 alleles (0.004%); highest among the groups gnomAD compares: Non-Finnish European, 0.0053%; no homozygotes.

Submission:

Labcorp Genetics (formerly Invitae), Labcorp
Classification: Uncertain significance for Autoimmune lymphoproliferative syndrome type 2A. Last evaluated: 2026-01-08. Review status: criteria provided, single submitter. Criteria: Invitae Variant Classification Sherloc (09022015). Collection method: clinical testing. Allele origin: germline.
Comment: This sequence change falls in intron 2 of the CASP10 gene. It does not directly change the encoded amino acid sequence of the CASP10 protein. It affects a nucleotide within the consensus splice site. This variant is present in population databases (rs754607963, gnomAD 0.005%). This variant has not been reported in the literature in individuals affected with CASP10-related conditions. ClinVar contains an entry for this variant (Variation ID: 2923490). Variants that disrupt the consensus splice site are a relatively common cause of aberrant splicing (PMID: 17576681, 9536098). Algorithms developed to predict the effect of sequence changes on RNA splicing suggest that this variant is not likely to affect RNA splicing. In summary, the available evidence is currently insufficient to determine the role of this variant in disease. Therefore, it has been classified as a Variant of Uncertain Significance.

Literature cited by the submitters: PubMed 17576681; PubMed 9536098.